The following is an entry in ClinVar:

NM_001039348.3(EFEMP1):c.884T>C (p.Ile295Thr)

Gene: EFEMP1 (EGF-like fibulin extracellular matrix protein 1; minus strand). Cytogenetic location: 2p16.1.
Variant type: single nucleotide variant.
Coding change: c.884T>C on transcript NM_001039348.3 (MANE Select); coding-DNA position 884, T replaced by C.
Protein change: p.Ile295Thr; replaces isoleucine 295 with threonine.
Molecular consequence: missense variant.
Genome position (GRCh38, 1-based): chr2:55,875,062, A>G on the plus strand (T>C on the coding strand, the complement: EFEMP1 is on the minus strand). VCF-style: chr2-55875062-A-G. GRCh37 (hg19) VCF-style: chr2-56102197-A-G.
Other names: c.884T>C, p.Ile295Thr (NM_001039349.3); short protein forms I295T.
Identifiers: ClinVar variation 1488762 (VCV001488762.8), dbSNP rs373857382, ClinGen allele CA1668794.

ClinVar aggregate classification (germline): Uncertain significance (1 of 4 stars; one submission).

Allele frequency attached by ClinVar (database versions not stated): gnomAD exomes below 0.00001; ExAC 0.00001; ESP Exome Variant Server 0.00008.
gnomAD v4.1: 3 of 1,597,848 alleles (0.00019%); highest among the groups gnomAD compares: Non-Finnish European, 0.00017%; no homozygotes.

Submission:

Labcorp Genetics (formerly Invitae), Labcorp
Classification: Uncertain significance. Last evaluated: 2022-04-12. Review status: criteria provided, single submitter. Criteria: Invitae Variant Classification Sherloc (09022015). Collection method: clinical testing. Allele origin: germline.
Comment: This sequence change replaces isoleucine, which is neutral and non-polar, with threonine, which is neutral and polar, at codon 295 of the EFEMP1 protein (p.Ile295Thr). This variant is present in population databases (rs373857382, gnomAD 0.007%). In summary, the available evidence is currently insufficient to determine the role of this variant in disease. Therefore, it has been classified as a Variant of Uncertain Significance. Algorithms developed to predict the effect of missense changes on protein structure and function (SIFT, PolyPhen-2, Align-GVGD) all suggest that this variant is likely to be tolerated. This variant has not been reported in the literature in individuals affected with EFEMP1-related conditions.